The following is an entry in ClinVar:

ClinVar aggregate classification (germline): Uncertain significance. Review status: criteria provided, multiple submitters, no conflicts (2 of 4 stars). 2 submissions from 2 submitters: Uncertain significance (2). Last evaluated 2024-10-25.

Conditions:
Inborn genetic diseases. Identifiers: MedGen C0950123, MeSH D030342.
Aortic valve disease 2 (AOVD2). Identifiers: MedGen C3542024, MONDO:0013902, OMIM 614823.

Allele frequency attached by ClinVar (database versions not stated): TOPMed 0.00002.
gnomAD v4.1: 2 of 1,222,606 alleles (0.00016%); highest among the groups gnomAD compares: Non-Finnish European, 0.0002%; no homozygotes.

Submissions (2):

Ambry Genetics
Classification: Uncertain significance for Inborn genetic diseases. Last evaluated: 2024-10-25. Review status: criteria provided, single submitter. Criteria: Ambry Variant Classification Scheme 2023. Collection method: clinical testing. Allele origin: germline.

Labcorp Genetics (formerly Invitae), Labcorp
Classification: Uncertain significance for Aortic valve disease 2. Last evaluated: 2024-08-27. Review status: criteria provided, single submitter. Criteria: Invitae Variant Classification Sherloc (09022015). Collection method: clinical testing. Allele origin: germline.
Comment: This sequence change replaces alanine, which is neutral and non-polar, with proline, which is neutral and non-polar, at codon 100 of the SMAD6 protein (p.Ala100Pro). This variant is not present in population databases (gnomAD no frequency). This variant has not been reported in the literature in individuals affected with SMAD6-related conditions. ClinVar contains an entry for this variant (Variation ID: 1001436). An algorithm developed to predict the effect of missense changes on protein structure and function (PolyPhen-2) suggests that this variant is likely to be tolerated. In summary, the available evidence is currently insufficient to determine the role of this variant in disease. Therefore, it has been classified as a Variant of Uncertain Significance.

NM_005585.5(SMAD6):c.298G>C (p.Ala100Pro)

Gene: SMAD6 (SMAD family member 6; plus strand). Cytogenetic location: 15q22.31.
Variant type: single nucleotide variant.
Coding change: c.298G>C on transcript NM_005585.5 (MANE Select); coding-DNA position 298, G replaced by C.
Protein change: p.Ala100Pro; replaces alanine 100 with proline.
Molecular consequence: missense variant. On other transcripts: non-coding transcript variant (1).
Genome position (GRCh38, 1-based): chr15:66,703,556, G>C. VCF-style: chr15-66703556-G-C. GRCh37 (hg19) VCF-style: chr15-66995894-G-C.
Other names: c.298G>C (NM_005585.4); short protein forms A100P.
Identifiers: ClinVar variation 1001436 (VCV001001436.10), dbSNP rs946134204, ClinGen allele CA392949213.
Genomic context (GRCh38, chr15:66,703,556, plus strand): 5'-GCGGGGAGGCGCCGGCGCGCAGGGGGCCCCCCGAGGCCCATGTCGGAGCCAGGGGCCGGC[G>C]CTGGGAGCTCCCTGCTGGACGTGGCGGAGCCGGGAGGCCCGGGCTGGCTGCCCGAGAGTG-3'
Protein context (NP_005576.3, residues 90-110): PRPMSEPGAG[Ala100Pro]GSSLLDVAEP